The following is an entry in ClinVar:

NM_001220.5(CAMK2B):c.1226C>A (p.Ala409Asp)

Gene: CAMK2B (calcium/calmodulin dependent protein kinase II beta; minus strand). Cytogenetic location: 7p13.
Variant type: single nucleotide variant.
Coding change: c.1226C>A on transcript NM_001220.5 (MANE Select); coding-DNA position 1226, C replaced by A.
Protein change: p.Ala409Asp; replaces alanine 409 with aspartic acid.
Molecular consequence: missense variant. On other transcripts: intron variant (8).
Genome position (GRCh38, 1-based): chr7:44,229,501, G>T on the plus strand (C>A on the coding strand, the complement: CAMK2B is on the minus strand). VCF-style: chr7-44229501-G-T. GRCh37 (hg19) VCF-style: chr7-44269100-G-T.
Other names: c.947-8600C>A (NM_172084.3); c.1150+1505C>A (NM_172080.3); c.1036+1505C>A (NM_172083.3); c.1108+1505C>A (NM_172081.3); c.1153+1505C>A (NM_172079.3, NM_172082.3); c.1225+1505C>A (NM_001293170.2, NM_172078.3); c.1226C>A (NM_001220.4); short protein forms A409D.
Identifiers: ClinVar variation 3605964 (VCV003605964.3).

ClinVar aggregate classification (germline): Uncertain significance. Review status: criteria provided, multiple submitters, no conflicts (2 of 4 stars). 2 submissions from 2 submitters: Uncertain significance (2). Last evaluated 2025-09-01.

Conditions:
Inborn genetic diseases. Identifiers: MedGen C0950123, MeSH D030342.

gnomAD v4.1: 2 of 1,420,198 alleles (0.00014%); highest among the groups gnomAD compares: Non-Finnish European, 0.00018%; no homozygotes.

Submissions (2):

Ambry Genetics
Classification: Uncertain significance for Inborn genetic diseases. Last evaluated: 2025-09-01. Review status: criteria provided, single submitter. Criteria: Ambry Variant Classification Scheme 2023. Collection method: clinical testing. Allele origin: germline.

Labcorp Genetics (formerly Invitae), Labcorp
Classification: Uncertain significance. Last evaluated: 2024-04-08. Review status: criteria provided, single submitter. Criteria: Invitae Variant Classification Sherloc (09022015). Collection method: clinical testing. Allele origin: germline.
Comment: This sequence change replaces alanine, which is neutral and non-polar, with aspartic acid, which is acidic and polar, at codon 409 of the CAMK2B protein (p.Ala409Asp). This variant is not present in population databases (gnomAD no frequency). This variant has not been reported in the literature in individuals affected with CAMK2B-related conditions. An algorithm developed to predict the effect of missense changes on protein structure and function (PolyPhen-2) suggests that this variant is likely to be tolerated. In summary, the available evidence is currently insufficient to determine the role of this variant in disease. Therefore, it has been classified as a Variant of Uncertain Significance.